The following is an entry in ClinVar:

ClinVar aggregate classification (germline): Likely benign (0 of 4 stars; one submission).

Conditions:
CSMD1-related disorder. Also called: CSMD1-related condition.

Allele frequency attached by ClinVar (database versions not stated): gnomAD 0.00007; TOPMed 0.00012; 1000 Genomes Project 30x 0.00016; ExAC 0.00034.
gnomAD v4.1: 120 of 1,606,140 alleles (0.0075%); highest among the groups gnomAD compares: East Asian, 0.22%; 1 homozygote.

Submission:

PreventionGenetics, part of Exact Sciences
Classification: Likely benign for CSMD1-related condition. Last evaluated: 2019-07-30. Review status: no assertion criteria provided. Collection method: clinical testing. Allele origin: germline.
Comment: This variant is classified as likely benign based on ACMG/AMP sequence variant interpretation guidelines (Richards et al. 2015 PMID: 25741868, with internal and published modifications).

NM_033225.6(CSMD1):c.4098G>A (p.Leu1366=)

Gene: CSMD1 (CUB and Sushi multiple domains 1; minus strand). Cytogenetic location: 8p23.2.
Variant type: single nucleotide variant.
Coding change: c.4098G>A on transcript NM_033225.6 (MANE Select); coding-DNA position 4098, G replaced by A.
Protein change: p.Leu1366=; no amino-acid change (leucine 1366 retained).
Molecular consequence: synonymous variant.
Genome position (GRCh38, 1-based): chr8:3,284,199, C>T on the plus strand (G>A on the coding strand, the complement: CSMD1 is on the minus strand). VCF-style: chr8-3284199-C-T. GRCh37 (hg19) VCF-style: chr8-3141721-C-T.
Identifiers: ClinVar variation 3035738 (VCV003035738.2), dbSNP rs761769439, ClinGen allele CA4607476.